The following is an entry in ClinVar:

NM_153240.5(NPHP3):c.1119C>A (p.Ser373Arg)

Genes: NPHP3 (nephrocystin 3; minus strand), NPHP3-ACAD11 (NPHP3-ACAD11 readthrough (NMD candidate); minus strand). Cytogenetic location: 3q22.1.
Variant type: single nucleotide variant.
Coding change: c.1119C>A on transcript NM_153240.5 (MANE Select); coding-DNA position 1119, C replaced by A.
Protein change: p.Ser373Arg; replaces serine 373 with arginine.
Molecular consequence: missense variant. On other transcripts: non-coding transcript variant (1).
Genome position (GRCh38, 1-based): chr3:132,708,257, G>T on the plus strand (C>A on the coding strand, the complement: NPHP3 is on the minus strand). VCF-style: chr3-132708257-G-T. GRCh37 (hg19) VCF-style: chr3-132427101-G-T.
Other names: short protein forms S373R.
Identifiers: ClinVar variation 2150252 (VCV002150252.4), dbSNP rs556746979, ClinGen allele CA83599518.

ClinVar aggregate classification (germline): Uncertain significance (1 of 4 stars; one submission).

Conditions:
Nephronophthisis. Also called: Juvenile Nephronophthisis. Identifiers: Orphanet 655, MedGen C0687120, MONDO:0019005, HP:0000090.

Allele frequency attached by ClinVar (database versions not stated): gnomAD 0.00001.
gnomAD v4.1: 2 of 1,613,618 alleles (0.00012%); highest among the groups gnomAD compares: South Asian, 0.0022%; no homozygotes.

Submission:

Labcorp Genetics (formerly Invitae), Labcorp
Classification: Uncertain significance for Nephronophthisis. Last evaluated: 2022-10-19. Review status: criteria provided, single submitter. Criteria: Invitae Variant Classification Sherloc (09022015). Collection method: clinical testing. Allele origin: germline.
Comment: In summary, the available evidence is currently insufficient to determine the role of this variant in disease. Therefore, it has been classified as a Variant of Uncertain Significance. Algorithms developed to predict the effect of sequence changes on RNA splicing suggest that this variant may create or strengthen a splice site. Algorithms developed to predict the effect of missense changes on protein structure and function are either unavailable or do not agree on the potential impact of this missense change (SIFT: "Deleterious"; PolyPhen-2: "Benign"; Align-GVGD: "Class C0"). This variant has not been reported in the literature in individuals affected with NPHP3-related conditions. This variant is present in population databases (rs556746979, gnomAD 0.01%). This sequence change replaces serine, which is neutral and polar, with arginine, which is basic and polar, at codon 373 of the NPHP3 protein (p.Ser373Arg).